The following is an entry in ClinVar:

NM_001146.5(ANGPT1):c.529C>A (p.Leu177Ile)

Gene: ANGPT1 (angiopoietin 1; minus strand). Cytogenetic location: 8q23.1.
Variant type: single nucleotide variant.
Coding change: c.529C>A on transcript NM_001146.5 (MANE Select); coding-DNA position 529, C replaced by A.
Protein change: p.Leu177Ile; replaces leucine 177 with isoleucine.
Molecular consequence: missense variant. On other transcripts: 5 prime UTR variant (1).
Genome position (GRCh38, 1-based): chr8:107,336,196, G>T on the plus strand (C>A on the coding strand, the complement: ANGPT1 is on the minus strand). VCF-style: chr8-107336196-G-T. GRCh37 (hg19) VCF-style: chr8-108348424-G-T.
Other names: c.529C>A, p.Leu177Ile (NM_001199859.3); c.-72C>A (NM_001314051.2); short protein forms L177I.
Identifiers: ClinVar variation 1493477 (VCV001493477.8), dbSNP rs1244538642, ClinGen allele CA372034536.

ClinVar aggregate classification (germline): Uncertain significance (1 of 4 stars; one submission).

Allele frequency attached by ClinVar (database versions not stated): gnomAD exomes below 0.00001; gnomAD 0.00001.
gnomAD v4.1: 8 of 1,609,344 alleles (0.0005%); highest among the groups gnomAD compares: Admixed American, 0.0051%; no homozygotes.

Submission:

Labcorp Genetics (formerly Invitae), Labcorp
Classification: Uncertain significance. Last evaluated: 2025-08-06. Review status: criteria provided, single submitter. Criteria: Invitae Variant Classification Sherloc (09022015). Collection method: clinical testing. Allele origin: germline.
Comment: This sequence change replaces leucine, which is neutral and non-polar, with isoleucine, which is neutral and non-polar, at codon 177 of the ANGPT1 protein (p.Leu177Ile). This variant is not present in population databases (gnomAD no frequency). This variant has not been reported in the literature in individuals affected with ANGPT1-related conditions. ClinVar contains an entry for this variant (Variation ID: 1493477). An algorithm developed to predict the effect of missense changes on protein structure and function (PolyPhen-2) suggests that this variant is likely to be tolerated. In summary, the available evidence is currently insufficient to determine the role of this variant in disease. Therefore, it has been classified as a Variant of Uncertain Significance.